The following is an entry in ClinVar:

ClinVar aggregate classification (germline): Likely benign. Review status: criteria provided, multiple submitters, no conflicts (2 of 4 stars). 3 submissions from 3 submitters: Likely benign (3). Last evaluated 2025-12-29.

Conditions:
Ataxia-telangiectasia syndrome (AT). Also called: Cerebello-oculocutaneous telangiectasia; Immunodeficiency with ataxia telangiectasia; Ataxia-telangiectasia, complementation group E; Ataxia-telangiectasia, complementation group D; AT, COMPLEMENTATION GROUP C; ATAXIA-TELANGIECTASIA, COMPLEMENTATION GROUP A. Identifiers: Orphanet 100, MedGen C0004135, MONDO:0008840, OMIM 208900.
Familial cancer of breast. Also called: BREAST CANCER, FAMILIAL; Hereditary breast cancer; hereditary breast carcinoma. Identifiers: Orphanet 227535, MedGen C0346153, MONDO:0016419, OMIM 114480. Disease mechanism: loss of function.

Allele frequency attached by ClinVar (database versions not stated): ExAC 0.00001; gnomAD exomes below 0.00001.
gnomAD v4.1: 6 of 1,607,876 alleles (0.00037%); highest among the groups gnomAD compares: Non-Finnish European, 0.00051%; no homozygotes.

Submissions (3):

Labcorp Genetics (formerly Invitae), Labcorp
Classification: Likely benign for Ataxia-telangiectasia syndrome. Last evaluated: 2025-12-29. Review status: criteria provided, single submitter. Criteria: Invitae Variant Classification Sherloc (09022015). Collection method: clinical testing. Allele origin: germline.

Myriad Genetics, Inc.
Classification: Likely benign for Familial cancer of breast. Last evaluated: 2024-06-18. Review status: criteria provided, single submitter. Criteria: Myriad Autosomal Dominant, Autosomal Recessive and X-Linked Classification Criteria (2023). Collection method: clinical testing. Allele origin: unknown.
Comment: This variant is considered likely benign. This variant is intronic and is not expected to impact mRNA splicing.

GeneDx
Classification: Likely benign. Last evaluated: 2017-05-08. Review status: criteria provided, single submitter. Criteria: GeneDx Variant Classification (06012015). Collection method: clinical testing. Allele origin: germline. Affected: yes.
Comment: This variant is considered likely benign or benign based on one or more of the following criteria: it is a conservative change, it occurs at a poorly conserved position in the protein, it is predicted to be benign by multiple in silico algorithms, and/or has population frequency not consistent with disease.

NM_000051.4(ATM):c.8011-16T>C

Genes: ATM (ATM serine/threonine kinase; plus strand), C11orf65 (chromosome 11 open reading frame 65; minus strand). Cytogenetic location: 11q22.3.
Variant type: single nucleotide variant.
Coding change: c.8011-16T>C on transcript NM_000051.4 (MANE Select); 16 bases into the intron before coding-DNA position 8011, T replaced by C.
Molecular consequence: intron variant.
Genome position (GRCh38, 1-based): chr11:108,334,953, T>C. VCF-style: chr11-108334953-T-C. GRCh37 (hg19) VCF-style: chr11-108205680-T-C.
Other names: c.8011-16T>C (NM_001351834.2); c.641-25882A>G (NM_001330368.2); c.*38+267A>G (NM_001351110.2).
Identifiers: ClinVar variation 509401 (VCV000509401.10), dbSNP rs776948701, ClinGen allele CA6266262.